The following is an entry in ClinVar:

NM_000059.4(BRCA2):c.8520A>C (p.Ile2840=)

Gene: BRCA2 (BRCA2 DNA repair associated; plus strand). Cytogenetic location: 13q13.1.
Variant type: single nucleotide variant.
Coding change: c.8520A>C on transcript NM_000059.4 (MANE Select); coding-DNA position 8520, A replaced by C.
Protein change: p.Ile2840=; no amino-acid change (isoleucine 2840 retained).
Molecular consequence: synonymous variant.
Genome position (GRCh38, 1-based): chr13:32,370,988, A>C. VCF-style: chr13-32370988-A-C. GRCh37 (hg19) VCF-style: chr13-32945125-A-C.
Identifiers: ClinVar variation 427544 (VCV000427544.14), dbSNP rs752179294, ClinGen allele CA6941256.
Genomic context (GRCh38, chr13:32,370,988, plus strand): 5'-TTTTGGTGTGTGTAACACATTATTACAGTGGATGGAGAAGACATCATCTGGATTATACAT[A>C]TTTCGCAATGAAAGAGAGGAAGAAAAGGAAGCAGCAAAATATGTGGAGGCCCAACAAAAG-3'
Protein context (NP_000050.3, residues 2830-2850): WMEKTSSGLY[Ile2840=]FRNEREEEKE

ClinVar aggregate classification (germline): Likely benign. Review status: reviewed by expert panel (3 of 4 stars). 3 submissions from 3 submitters: Likely benign (1). 2 of the submissions do not count toward it. Last evaluated 2017-06-29.

Conditions:
Breast-ovarian cancer, familial, susceptibility to, 2 (BROVCA2). Also called: BRCA2 Hereditary Breast and Ovarian Cancer. Identifiers: Orphanet 145, MedGen C2675520, MONDO:0012933, OMIM 612555. Disease mechanism: loss of function.
Hereditary cancer-predisposing syndrome. Also called: Hereditary neoplastic syndrome; Tumor predisposition; Neoplastic Syndromes, Hereditary; Hereditary Cancer Syndrome. Identifiers: Orphanet 140162, MedGen C0027672, MeSH D009386, MONDO:0015356.
Hereditary breast ovarian cancer syndrome. Also called: BRCA1- and BRCA2-Associated Hereditary Breast and Ovarian Cancer; Hereditary breast and/or ovarian cancer syndrome; Hereditary breast and ovarian cancer; Hereditary breast and ovarian cancer syndrome; Hereditary breast and ovarian cancer syndrome (HBOC); Breast and ovarian cancer. Identifiers: Orphanet 145, MedGen C0677776, MeSH D061325, MONDO:0003582. Disease mechanism: loss of function.

Allele frequency attached by ClinVar (database versions not stated): gnomAD exomes below 0.00001 and 0.00001; ExAC 0.00001.
gnomAD v4.1: 2 of 1,614,144 alleles (0.00012%); highest among the groups gnomAD compares: South Asian, 0.0022%; no homozygotes.

Submissions (3):

Evidence-based Network for the Interpretation of Germline Mutant Alleles (ENIGMA)
Classification: Likely benign for Breast-ovarian cancer, familial, susceptibility to, 2. Last evaluated: 2017-06-29. Review status: reviewed by expert panel. Criteria: ENIGMA BRCA1/2 Classification Criteria (2017-06-29). Collection method: curation. Allele origin: germline.
Comment: Synonymous substitution variant, with low bioinformatic likelihood to result in a splicing aberration (Splicing prior probability 0.02).

Ambry Genetics
Classification: Likely benign for Hereditary cancer-predisposing syndrome. Last evaluated: 2025-06-24. Review status: criteria provided, single submitter. Criteria: Ambry Variant Classification Scheme 2023. Collection method: clinical testing. Allele origin: germline. Not counted in ClinVar's aggregate classification.

Labcorp Genetics (formerly Invitae), Labcorp
Classification: Likely benign for Hereditary breast ovarian cancer syndrome. Last evaluated: 2021-09-10. Review status: criteria provided, single submitter. Criteria: Invitae Variant Classification Sherloc (09022015). Collection method: clinical testing. Allele origin: germline. Not counted in ClinVar's aggregate classification.